The following is an entry in ClinVar:

ClinVar aggregate classification (germline): Likely pathogenic (1 of 4 stars; one submission).

Conditions:
Severe early-childhood-onset retinal dystrophy (STGD1). Also called: Stargardt macular dystrophy; Juvenile onset macular degeneration; Stargardt disease 1; MACULAR DYSTROPHY WITH FLECKS, TYPE 1; STGD. Identifiers: Orphanet 364055, Orphanet 827, MedGen C1855465, MeSH D000080362, MONDO:0009549, OMIM 248200.

Submission:

SingHealth Duke-NUS Institute of Precision Medicine
Classification: Likely pathogenic for Severe early-childhood-onset retinal dystrophy. Last evaluated: 2025-02-05. Review status: criteria provided, single submitter. Criteria: PRISM ACMG Classification Criteria. Collection method: clinical testing. Allele origin: germline. Affected: yes.
Comment: Variant is located in a mutational hotspot where >50% of variants are pathogenic (PM1). Variant is not found in gnomAD exomes or genomes (PM2). Other variant on this amino acid residue has been classified as pathogenic (PM5, p.Gln1376His) . REVEL score is 0.89 (PP3_mod)

NM_000350.3(ABCA4):c.4127A>C (p.Gln1376Pro)

Gene: ABCA4 (ATP binding cassette subfamily A member 4; minus strand). Cytogenetic location: 1p22.1.
Variant type: single nucleotide variant.
Coding change: c.4127A>C on transcript NM_000350.3 (MANE Select); coding-DNA position 4127, A replaced by C.
Protein change: p.Gln1376Pro; replaces glutamine 1376 with proline.
Molecular consequence: missense variant.
Genome position (GRCh38, 1-based): chr1:94,031,779, T>G on the plus strand (A>C on the coding strand, the complement: ABCA4 is on the minus strand). VCF-style: chr1-94031779-T-G. GRCh37 (hg19) VCF-style: chr1-94497335-T-G.
Other names: c.3905A>C, p.Gln1302Pro (NM_001425324.1); short protein forms Q1302P, Q1376P.
Identifiers: ClinVar variation 3767362 (VCV003767362.1).